The following is an entry in ClinVar:

ClinVar aggregate classification (germline): Uncertain significance. Review status: criteria provided, multiple submitters, no conflicts (2 of 4 stars). 2 submissions from 2 submitters: Uncertain significance (2). Last evaluated 2026-01-19.

Conditions:
Inborn genetic diseases. Identifiers: MedGen C0950123, MeSH D030342.

Allele frequency attached by ClinVar (database versions not stated): gnomAD 0.00001; gnomAD exomes 0.00004; ExAC 0.00005; TOPMed 0.00006.
gnomAD v4.1: 22 of 1,613,904 alleles (0.0014%); highest among the groups gnomAD compares: Admixed American, 0.035%; no homozygotes.

Submissions (2):

Labcorp Genetics (formerly Invitae), Labcorp
Classification: Uncertain significance. Last evaluated: 2026-01-19. Review status: criteria provided, single submitter. Criteria: Invitae Variant Classification Sherloc (09022015). Collection method: clinical testing. Allele origin: germline.
Comment: This sequence change replaces isoleucine, which is neutral and non-polar, with valine, which is neutral and non-polar, at codon 73 of the ACAN protein (p.Ile73Val). This variant is present in population databases (rs775409722, gnomAD 0.06%). This variant has not been reported in the literature in individuals affected with ACAN-related conditions. ClinVar contains an entry for this variant (Variation ID: 2154834). Invitae Evidence Modeling of protein sequence and biophysical properties (such as structural, functional, and spatial information, amino acid conservation, physicochemical variation, residue mobility, and thermodynamic stability) indicates that this missense variant is not expected to disrupt ACAN protein function with a negative predictive value of 80%. In summary, the available evidence is currently insufficient to determine the role of this variant in disease. Therefore, it has been classified as a Variant of Uncertain Significance.

Ambry Genetics
Classification: Uncertain significance for Inborn genetic diseases. Last evaluated: 2025-05-06. Review status: criteria provided, single submitter. Criteria: Ambry Variant Classification Scheme 2023. Collection method: clinical testing. Allele origin: germline.

NM_001369268.1(ACAN):c.217A>G (p.Ile73Val)

Gene: ACAN (aggrecan; plus strand). Cytogenetic location: 15q26.1.
Variant type: single nucleotide variant.
Coding change: c.217A>G on transcript NM_001369268.1 (MANE Select); coding-DNA position 217, A replaced by G.
Protein change: p.Ile73Val; replaces isoleucine 73 with valine.
Molecular consequence: missense variant.
Genome position (GRCh38, 1-based): chr15:88,838,809, A>G. VCF-style: chr15-88838809-A-G. GRCh37 (hg19) VCF-style: chr15-89382040-A-G.
Other names: c.217A>G, p.Ile73Val (NM_001135.4, NM_001411096.1, NM_001411097.1 and 1 more transcripts); c.217A>G (NM_013227.3); short protein forms I73V.
Identifiers: ClinVar variation 2154834 (VCV002154834.5), dbSNP rs775409722, ClinGen allele CA7719172.